The following is an entry in ClinVar:

NM_001040167.2(LFNG):c.810C>A (p.Ser270Arg)

Gene: LFNG (LFNG O-fucosylpeptide 3-beta-N-acetylglucosaminyltransferase; plus strand). Cytogenetic location: 7p22.3.
Variant type: single nucleotide variant.
Coding change: c.810C>A on transcript NM_001040167.2 (MANE Select); coding-DNA position 810, C replaced by A.
Protein change: p.Ser270Arg; replaces serine 270 with arginine.
Molecular consequence: missense variant.
Genome position (GRCh38, 1-based): chr7:2,525,759, C>A. VCF-style: chr7-2525759-C-A. GRCh37 (hg19) VCF-style: chr7-2565393-C-A.
Other names: c.810C>A, p.Ser270Arg (NM_001040168.2); c.597C>A, p.Ser199Arg (NM_001166355.2); c.423C>A, p.Ser141Arg (NM_002304.3); short protein forms S199R, S270R, S141R.
Identifiers: ClinVar variation 1516094 (VCV001516094.8), dbSNP rs764879786, ClinGen allele CA366618923.
Genomic context (GRCh38, chr7:2,525,759, plus strand): 5'-CTGGTTTGCCACGGGCGGCGCTGGCTTCTGCATCAGCCGTGGGCTGGCTCTGAAGATGAG[C>A]CCGTGGGCCAGGTGAGTGCCCTGCACAGGTTAGGCCAGCCCGGTCCCAGGCTCCTCGCCA-3'
Protein context (NP_001035257.1, residues 260-280): CISRGLALKM[Ser270Arg]PWASGGHFMN

ClinVar aggregate classification (germline): Uncertain significance (1 of 4 stars; one submission).

Conditions:
Spondylocostal dysostosis 3, autosomal recessive (SCDO3). Also called: LFNG-Related Spondylocostal Dysostosis, Autosomal Recessive. Identifiers: Orphanet 2311, MedGen C1853296, MONDO:0012349, OMIM 609813.

Submission:

Labcorp Genetics (formerly Invitae), Labcorp
Classification: Uncertain significance for Spondylocostal dysostosis 3, autosomal recessive. Last evaluated: 2021-03-12. Review status: criteria provided, single submitter. Criteria: Invitae Variant Classification Sherloc (09022015). Collection method: clinical testing. Allele origin: germline.
Comment: In summary, the available evidence is currently insufficient to determine the role of this variant in disease. Therefore, it has been classified as a Variant of Uncertain Significance. Algorithms developed to predict the effect of missense changes on protein structure and function (SIFT, PolyPhen-2, Align-GVGD) all suggest that this variant is likely to be tolerated, but these predictions have not been confirmed by published functional studies and their clinical significance is uncertain. This variant has not been reported in the literature in individuals with LFNG-related conditions. This variant is not present in population databases (ExAC no frequency). This sequence change replaces serine with arginine at codon 270 of the LFNG protein (p.Ser270Arg). The serine residue is moderately conserved and there is a moderate physicochemical difference between serine and arginine.